The following is an entry in ClinVar:

NM_004304.5(ALK):c.3998A>C (p.Lys1333Thr)

Gene: ALK (ALK receptor tyrosine kinase; minus strand). Cytogenetic location: 2p23.2.
Variant type: single nucleotide variant.
Coding change: c.3998A>C on transcript NM_004304.5 (MANE Select); coding-DNA position 3998, A replaced by C.
Protein change: p.Lys1333Thr; replaces lysine 1333 with threonine.
Molecular consequence: missense variant.
Genome position (GRCh38, 1-based): chr2:29,197,617, T>G on the plus strand (A>C on the coding strand, the complement: ALK is on the minus strand). VCF-style: chr2-29197617-T-G. GRCh37 (hg19) VCF-style: chr2-29420483-T-G.
Other names: c.794A>C, p.Lys265Thr (NM_001353765.2); short protein forms K265T, K1333T.
Identifiers: ClinVar variation 2566602 (VCV002566602.2), dbSNP rs2148143454, ClinGen allele CA346466181.

ClinVar aggregate classification (germline): Uncertain significance (1 of 4 stars; one submission).

Conditions:
Hereditary cancer-predisposing syndrome. Also called: Hereditary neoplastic syndrome; Hereditary Cancer Syndrome; Neoplastic Syndromes, Hereditary; Tumor predisposition. Identifiers: Orphanet 140162, MedGen C0027672, MeSH D009386, MONDO:0015356.

Submission:

Ambry Genetics
Classification: Uncertain significance for Hereditary cancer-predisposing syndrome. Last evaluated: 2023-06-13. Review status: criteria provided, single submitter. Criteria: Ambry Variant Classification Scheme 2023. Collection method: clinical testing. Allele origin: germline.
Comment: The p.K1333T variant (also known as c.3998A>C), located in coding exon 27 of the ALK gene, results from an A to C substitution at nucleotide position 3998. The lysine at codon 1333 is replaced by threonine, an amino acid with similar properties. This amino acid position is not well conserved in available vertebrate species. In addition, the in silico prediction for this alteration is inconclusive. Since supporting evidence is limited at this time, the clinical significance of this alteration remains unclear.